The following is an entry in ClinVar:

ClinVar aggregate classification (germline): Conflicting classifications of pathogenicity. Review status: criteria provided, conflicting classifications (1 of 4 stars). 4 submissions from 4 submitters: Uncertain significance (2); Likely benign (2). Last evaluated 2025-09-01.

Conditions:
Microcephaly 5, primary, autosomal recessive (MCPH5). Also called: ASPM Primary Microcephaly. Identifiers: Orphanet 2512, MedGen C1837501, MONDO:0012106, OMIM 608716.

Allele frequency attached by ClinVar (database versions not stated): gnomAD exomes 0.00005 and 0.00014; gnomAD 0.00011; ExAC 0.00012; TOPMed 0.00013; 1000 Genomes Project 30x 0.00031; 1000 Genomes Project 0.00040.
gnomAD v4.1: 91 of 1,613,032 alleles (0.0056%); highest among the groups gnomAD compares: East Asian, 0.087%; no homozygotes.

Submissions (4):

CeGaT Center for Human Genetics Tuebingen
Classification: Likely benign. Last evaluated: 2025-09-01. Review status: criteria provided, single submitter. Criteria: CeGaT Center For Human Genetics Tuebingen Variant Classification Criteria Version 2. Collection method: clinical testing. Allele origin: germline. Affected: yes. Observed: 1 variant allele.
Comment: ASPM: BP4, BP7

Labcorp Genetics (formerly Invitae), Labcorp
Classification: Likely benign. Last evaluated: 2025-07-23. Review status: criteria provided, single submitter. Criteria: Invitae Variant Classification Sherloc (09022015). Collection method: clinical testing. Allele origin: germline.

Illumina Laboratory Services, Illumina
Classification: Uncertain significance for Microcephaly 5, primary, autosomal recessive. Last evaluated: 2018-01-13. Review status: criteria provided, single submitter. Criteria: ICSL Variant Classification Criteria 13 December 2019. Collection method: clinical testing. Allele origin: germline.

Eurofins Ntd Llc (ga)
Classification: Uncertain significance. Last evaluated: 2017-08-09. Review status: criteria provided, single submitter. Criteria: EGL Classification Definitions 2015. Collection method: clinical testing. Allele origin: germline. Observed: 1 variant allele, 1 heterozygote.

NM_018136.5(ASPM):c.1185A>G (p.Gln395=)

Gene: ASPM (assembly factor for spindle microtubules; minus strand). Cytogenetic location: 1q31.3.
Variant type: single nucleotide variant.
Coding change: c.1185A>G on transcript NM_018136.5 (MANE Select); coding-DNA position 1185, A replaced by G.
Protein change: p.Gln395=; no amino-acid change (glutamine 395 retained).
Molecular consequence: synonymous variant.
Genome position (GRCh38, 1-based): chr1:197,143,067, T>C on the plus strand (A>G on the coding strand, the complement: ASPM is on the minus strand). VCF-style: chr1-197143067-T-C. GRCh37 (hg19) VCF-style: chr1-197112197-T-C.
Other names: c.1185A>G, p.Gln395= (NM_001206846.2).
Identifiers: ClinVar variation 294655 (VCV000294655.26), dbSNP rs183395856, ClinGen allele CA1310753.